The following is an entry in ClinVar:

NM_002529.4(NTRK1):c.2383C>G (p.Leu795Val)

Gene: NTRK1 (neurotrophic receptor tyrosine kinase 1; plus strand). Cytogenetic location: 1q23.1.
Variant type: single nucleotide variant.
Coding change: c.2383C>G on transcript NM_002529.4 (MANE Select); coding-DNA position 2383, C replaced by G.
Protein change: p.Leu795Val; replaces leucine 795 with valine.
Molecular consequence: missense variant.
Genome position (GRCh38, 1-based): chr1:156,881,634, C>G. VCF-style: chr1-156881634-C-G. GRCh37 (hg19) VCF-style: chr1-156851426-C-G.
Other names: c.2275C>G, p.Leu759Val (NM_001007792.1); c.2365C>G, p.Leu789Val (NM_001012331.2); short protein forms L759V, L795V, L789V.
Identifiers: ClinVar variation 526733 (VCV000526733.9), dbSNP rs749041981, ClinGen allele CA31126299.
Genomic context (GRCh38, chr1:156,881,634, plus strand): 5'-AAGGATGTGCACGCCCGGCTGCAAGCCCTGGCCCAGGCACCTCCTGTCTACCTGGATGTC[C>G]TGGGCTAGGGGGCCGGCCCAGGGGCTGGGAGTGGTTAGCCGGAATACTGGGGCCTGCCCT-3'
Protein context (NP_002520.2, residues 785-796): AQAPPVYLDV[Leu795Val]G

ClinVar aggregate classification (germline): Uncertain significance. Review status: criteria provided, single submitter (1 of 4 stars). 2 submissions from 2 submitters: Uncertain significance (1). 1 of the submissions does not count toward it. Last evaluated 2021-08-31.

Conditions:
Hereditary insensitivity to pain with anhidrosis (CIPA). Also called: INSENSITIVITY TO PAIN, CONGENITAL, WITH ANHIDROSIS; FAMILIAL DYSAUTONOMIA, TYPE II; NEUROPATHY, CONGENITAL SENSORY, WITH ANHIDROSIS; hereditary sensory and autonomic neuropathy type 4; NTRK1 Congenital Insensitivity to Pain with Anhidrosis; HSAN Type IV. Identifiers: Orphanet 642, MedGen C0020074, MONDO:0009746, OMIM 256800.

gnomAD v4.1: 2 of 1,606,066 alleles (0.00012%); highest among the groups gnomAD compares: Non-Finnish European, 0.00017%; no homozygotes.

Submissions (2):

Labcorp Genetics (formerly Invitae), Labcorp
Classification: Uncertain significance for Hereditary insensitivity to pain with anhidrosis. Last evaluated: 2021-08-31. Review status: criteria provided, single submitter. Criteria: Invitae Variant Classification Sherloc (09022015). Collection method: clinical testing. Allele origin: germline.
Comment: This sequence change replaces leucine with valine at codon 789 of the NTRK1 protein (p.Leu789Val). The leucine residue is highly conserved and there is a small physicochemical difference between leucine and valine. This variant is not present in population databases (ExAC no frequency). This variant has not been reported in the literature in individuals affected with NTRK1-related conditions. Algorithms developed to predict the effect of missense changes on protein structure and function (SIFT, PolyPhen-2, Align-GVGD) all suggest that this variant is likely to be disruptive. In summary, the available evidence is currently insufficient to determine the role of this variant in disease. Therefore, it has been classified as a Variant of Uncertain Significance.

Natera, Inc.
Classification: Uncertain significance for Hereditary insensitivity to pain with anhidrosis. Last evaluated: 2020-11-06. Review status: no assertion criteria provided. Collection method: clinical testing. Allele origin: germline. Not counted in ClinVar's aggregate classification.